The following is an entry in ClinVar:

NM_014521.3(SH3BP4):c.1956G>A (p.Pro652=)

Gene: SH3BP4 (SH3 domain binding protein 4; plus strand). Cytogenetic location: 2q37.2.
Variant type: single nucleotide variant.
Coding change: c.1956G>A on transcript NM_014521.3 (MANE Select); coding-DNA position 1956, G replaced by A.
Protein change: p.Pro652=; no amino-acid change (proline 652 retained).
Molecular consequence: synonymous variant.
Genome position (GRCh38, 1-based): chr2:235,042,725, G>A. VCF-style: chr2-235042725-G-A. GRCh37 (hg19) VCF-style: chr2-235951369-G-A.
Other names: c.1956G>A, p.Pro652= (NM_001371302.1, NM_001371303.1, NM_001371304.1 and 2 more transcripts).
Identifiers: ClinVar variation 2652032 (VCV002652032.24), dbSNP rs114710262, ClinGen allele CA2183886.

ClinVar aggregate classification (germline): Benign (1 of 4 stars; one submission).

Allele frequency attached by ClinVar (database versions not stated): 1000 Genomes Project 0.00300; 1000 Genomes Project 30x 0.00312; TOPMed 0.00660; ESP Exome Variant Server 0.00707; gnomAD 0.00770; ExAC 0.00881.

Submission:

CeGaT Center for Human Genetics Tuebingen
Classification: Benign. Last evaluated: 2023-03-01. Review status: criteria provided, single submitter. Criteria: CeGaT Center For Human Genetics Tuebingen Variant Classification Criteria Version 2. Collection method: clinical testing. Allele origin: germline. Affected: yes. Observed: 3 variant alleles.
Comment: SH3BP4: BP4, BP7, BS1, BS2